The following is an entry in ClinVar:

NM_000070.3(CAPN3):c.946-3_946-2del

Gene: CAPN3 (calpain 3; plus strand). Cytogenetic location: 15q15.1.
Variant type: Deletion.
Coding change: c.946-3_946-2del on transcript NM_000070.3 (MANE Select); 3 bases into the intron before coding-DNA position 946 through the canonical splice acceptor site of the intron before coding-DNA position 946, 2 bases deleted (CA; older notation c.946-3_946-2delCA).
Molecular consequence: splice acceptor variant.
Genome position (GRCh38, 1-based): chr15:42,392,636-42,392,637, CA deleted; deleting any 2 consecutive bases within chr15:42,392,635-42,392,637 gives the same sequence; the c. name uses the placement nearest the transcript's 3' end. VCF-style (leftmost placement, unchanged base first): chr15-42392634-TAC-T. GRCh37 (hg19) VCF-style: chr15-42684832-TAC-T.
Other names: c.946-3_946-2del (NM_024344.2); c.802-3_802-2del (NM_173087.2).
Identifiers: ClinVar variation 5002797 (VCV005002797.1).
Genomic context (GRCh38, chr15:42,392,634, plus strand): 5'-TGCCTCCAAGCAGCAGAACTTCTGTTCCCCCGCCCCTAATGGGTTCTCTGGTTACTGCTC[TAC>T]AGACAATCATTCCGGTTCAGTATGAGACAAGAATGGCCTGCGGGCTGGTCAGAGGTCACG-3'

ClinVar aggregate classification (germline): Uncertain significance (1 of 4 stars; one submission).

Conditions:
Muscular dystrophy, limb-girdle, autosomal dominant 4. Also called: MUSCULAR DYSTROPHY, LIMB-GIRDLE, TYPE 1I; Calpain-3-related limb-girdle muscular dystrophy D4. Identifiers: Orphanet 565909, MedGen C4748295, MONDO:0029133, OMIM 618129.

Submission:

OLLIN Analises Genomicas, OLLIN
Classification: Uncertain significance for Muscular dystrophy, limb-girdle, autosomal dominant 4. Last evaluated: 2026-08-06. Review status: criteria provided, single submitter. Criteria: ACMG Guidelines 2015 PMID 25741868. Collection method: clinical testing. Allele origin: germline. Inheritance: Autosomal dominant inheritance.
Comment: This variant is absent from gnomAD and ClinVar and has not been found in the scientific literature. According to the currently available evidence, this variant has been classified as uncertain significance (PM2_P).